The following is an entry in ClinVar:

NM_004562.3(PRKN):c.804T>A (p.Cys268Ter)

Gene: PRKN (parkin RBR E3 ubiquitin protein ligase; minus strand). Cytogenetic location: 6q26.
Variant type: single nucleotide variant.
Coding change: c.804T>A on transcript NM_004562.3 (MANE Select); coding-DNA position 804, T replaced by A.
Protein change: p.Cys268Ter; replaces cysteine 268 with a stop codon.
Molecular consequence: nonsense.
Genome position (GRCh38, 1-based): chr6:161,785,839, A>T on the plus strand (T>A on the coding strand, the complement: PRKN is on the minus strand). VCF-style: chr6-161785839-A-T. GRCh37 (hg19) VCF-style: chr6-162206871-A-T.
Other names: c.720T>A, p.Cys240Ter (NM_013987.3); c.357T>A, p.Cys119Ter (NM_013988.3); short protein forms C240*, C268*, C119*.
Identifiers: ClinVar variation 805244 (VCV000805244.5), dbSNP rs377554392, ClinGen allele CA4090220.
Genomic context (GRCh38, chr6:161,785,839, plus strand): 5'-AGGCAGGGAGTAGCCAAGTTGAGGGTCGTGAACAAACTGCCGATCATTGAGTCTTGTCAC[A>T]CAGTATAAGTGGAAACAGTCTAAGCAAATCACGTGGCGGGAGTTGCACTGGAAAACCAGG-3'

ClinVar aggregate classification (germline): Pathogenic. Review status: criteria provided, multiple submitters, no conflicts (2 of 4 stars). 2 submissions from 2 submitters: Pathogenic (2). Last evaluated 2021-12-19.

Allele frequency attached by ClinVar (database versions not stated): ExAC 0.00001; ESP Exome Variant Server 0.00008; gnomAD exomes 0.00001 and below 0.00001; TOPMed 0.00001.
gnomAD v4.1: 13 of 1,614,148 alleles (0.00081%); highest among the groups gnomAD compares: Non-Finnish European, 0.001%; no homozygotes.

Submissions (2):

Labcorp Genetics (formerly Invitae), Labcorp
Classification: Pathogenic. Last evaluated: 2021-12-19. Review status: criteria provided, single submitter. Criteria: Invitae Variant Classification Sherloc (09022015). Collection method: clinical testing. Allele origin: germline.
Comment: This premature translational stop signal has been observed in individual(s) with Parkinson disease (PMID: 10824074). This sequence change creates a premature translational stop signal (p.Cys268*) in the PRKN gene. It is expected to result in an absent or disrupted protein product. Loss-of-function variants in PRKN are known to be pathogenic (PMID: 10072423, 20301651, 22956510). This variant is present in population databases (rs377554392, gnomAD 0.0009%). ClinVar contains an entry for this variant (Variation ID: 805244). For these reasons, this variant has been classified as Pathogenic.

Athena Diagnostics
Classification: Pathogenic. Last evaluated: 2018-11-16. Review status: criteria provided, single submitter. Criteria: Athena Diagnostics Criteria. Collection method: clinical testing. Allele origin: germline.
Comment: The variant creates a premature nonsense codon, and is therefore predicted to result in the loss of a functional protein. Found in at least one symptomatic patient, and found in general population data that is consistent with pathogenicity.

Literature cited by the submitters: PubMed 10824074 (cited by Labcorp Genetics (formerly Invitae), Labcorp and Athena Diagnostics); PubMed 10072423 (cited by Labcorp Genetics (formerly Invitae), Labcorp); PubMed 20301651 (cited by Labcorp Genetics (formerly Invitae), Labcorp); PubMed 22956510 (cited by Labcorp Genetics (formerly Invitae), Labcorp); PubMed 25525159 (cited by Athena Diagnostics).